The following is an entry in ClinVar:

ClinVar aggregate classification (germline): Uncertain significance (1 of 4 stars; one submission).

Submission:

Labcorp Genetics (formerly Invitae), Labcorp
Classification: Uncertain significance. Last evaluated: 2024-02-16. Review status: criteria provided, single submitter. Criteria: Invitae Variant Classification Sherloc (09022015). Collection method: clinical testing. Allele origin: germline.
Comment: This sequence change replaces serine, which is neutral and polar, with glycine, which is neutral and non-polar, at codon 488 of the PCARE protein (p.Ser488Gly). This variant is not present in population databases (gnomAD no frequency). This variant has not been reported in the literature in individuals affected with PCARE-related conditions. ClinVar contains an entry for this variant (Variation ID: 2049135). An algorithm developed to predict the effect of missense changes on protein structure and function (PolyPhen-2) suggests that this variant is likely to be disruptive. In summary, the available evidence is currently insufficient to determine the role of this variant in disease. Therefore, it has been classified as a Variant of Uncertain Significance.

NM_001029883.3(PCARE):c.1462A>G (p.Ser488Gly)

Gene: PCARE (photoreceptor cilium actin regulator; minus strand). Cytogenetic location: 2p23.2.
Variant type: single nucleotide variant.
Coding change: c.1462A>G on transcript NM_001029883.3 (MANE Select); coding-DNA position 1462, A replaced by G.
Protein change: p.Ser488Gly; replaces serine 488 with glycine.
Molecular consequence: missense variant.
Genome position (GRCh38, 1-based): chr2:29,072,800, T>C on the plus strand (A>G on the coding strand, the complement: PCARE is on the minus strand). VCF-style: chr2-29072800-T-C. GRCh37 (hg19) VCF-style: chr2-29295666-T-C.
Other names: short protein forms S488G.
Identifiers: ClinVar variation 2049135 (VCV002049135.3), dbSNP rs2465277525, ClinGen allele CA346480136.